The following is an entry in ClinVar:

ClinVar aggregate classification (germline): Benign/Likely benign. Review status: criteria provided, multiple submitters, no conflicts (2 of 4 stars). 2 submissions from 2 submitters: Benign (1); Likely benign (1). Last evaluated 2025-09-21.

Conditions:
Oligodontia-cancer predisposition syndrome. Also called: TOOTH AGENESIS-COLORECTAL CANCER SYNDROME. Identifiers: Orphanet 300576, MedGen C1837750, MONDO:0012075, OMIM 608615. Disease mechanism: loss of function.

Submissions (2):

Labcorp Genetics (formerly Invitae), Labcorp
Classification: Likely benign for Oligodontia-cancer predisposition syndrome. Last evaluated: 2025-09-21. Review status: criteria provided, single submitter. Criteria: Invitae Variant Classification Sherloc (09022015). Collection method: clinical testing. Allele origin: germline.

Myriad Genetics, Inc.
Classification: Benign for Oligodontia-cancer predisposition syndrome. Last evaluated: 2024-07-05. Review status: criteria provided, single submitter. Criteria: Myriad Autosomal Dominant, Autosomal Recessive and X-Linked Classification Criteria (2023). Collection method: clinical testing. Allele origin: unknown.
Comment: This variant is considered benign. This variant is a silent/synonymous amino acid change and it is not expected to impact splicing.

NM_004655.4(AXIN2):c.1593C>A (p.Ile531=)

Gene: AXIN2 (axin 2; minus strand). Cytogenetic location: 17q24.1.
Variant type: single nucleotide variant.
Coding change: c.1593C>A on transcript NM_004655.4 (MANE Select); coding-DNA position 1593, C replaced by A.
Protein change: p.Ile531=; no amino-acid change (isoleucine 531 retained).
Molecular consequence: synonymous variant.
Genome position (GRCh38, 1-based): chr17:65,537,443, G>T on the plus strand (C>A on the coding strand, the complement: AXIN2 is on the minus strand). VCF-style: chr17-65537443-G-T. GRCh37 (hg19) VCF-style: chr17-63533561-G-T.
Other names: c.1593C>A, p.Ile531= (NM_001363813.1).
Identifiers: ClinVar variation 3379113 (VCV003379113.2).
Genomic context (GRCh38, chr17:65,537,443, plus strand): 5'-GCAGTAATACTCGCTGCCCCCAGGGCAGAAGCAGTGCACCCGCTGCGTGGCCTCCGCCTC[G>T]ATCTCCTCCTTGGTCTTGGGGACGGCATGGTGGTGGATGTAGTGGTGGTGGACATGCTTC-3'
Protein context (NP_004646.3, residues 521-541): HHAVPKTKEE[Ile531=]EAEATQRVHC